The following is an entry in ClinVar:

ClinVar aggregate classification (germline): Pathogenic/Likely pathogenic. Review status: criteria provided, multiple submitters, no conflicts (2 of 4 stars). 3 submissions from 3 submitters: Pathogenic (2); Likely pathogenic (1). Last evaluated 2025-10-23.

Conditions:
Primary ciliary dyskinesia. Also called: Ciliary dyskinesia. Identifiers: Orphanet 244, MedGen C0008780, MONDO:0016575, HP:0012265.
Primary ciliary dyskinesia 3. Identifiers: Orphanet 244, MedGen C1837618, MONDO:0012085, OMIM 608644.

Submissions (3):

GeneDx
Classification: Likely pathogenic. Last evaluated: 2025-10-23. Review status: criteria provided, single submitter. Criteria: GeneDx Variant Classification Process June 2021. Collection method: clinical testing. Allele origin: germline.
Comment: Identified in one individual in a cohort of patients with primary ciliary dyskinesia, although clinical details were not provided and it is unclear if this variant was homozygous or detected with a second DNAH5 variant (Nthe-Menchen et al., 2019); Nonsense variant predicted to result in protein truncation or nonsense mediated decay in a gene for which loss of function is a known mechanism of disease; Not observed at significant frequency in large population cohorts (gnomAD); This variant is associated with the following publications: (PMID: 31638833)

Labcorp Genetics (formerly Invitae), Labcorp
Classification: Pathogenic for Primary ciliary dyskinesia. Last evaluated: 2025-09-26. Review status: criteria provided, single submitter. Criteria: Invitae Variant Classification Sherloc (09022015). Collection method: clinical testing. Allele origin: germline.
Comment: This sequence change creates a premature translational stop signal (p.Tyr1706*) in the DNAH5 gene. It is expected to result in an absent or disrupted protein product. Loss-of-function variants in DNAH5 are known to be pathogenic (PMID: 11788826, 16627867). This variant is not present in population databases (gnomAD no frequency). This premature translational stop signal has been observed in individual(s) with clinical features of DNAH5-related conditions (PMID: 31638833; internal data). ClinVar contains an entry for this variant (Variation ID: 454780). For these reasons, this variant has been classified as Pathogenic.

Myriad Genetics, Inc.
Classification: Pathogenic for Primary ciliary dyskinesia 3. Last evaluated: 2024-06-10. Review status: criteria provided, single submitter. Criteria: Myriad Autosomal Dominant, Autosomal Recessive and X-Linked Classification Criteria (2023). Collection method: clinical testing. Allele origin: unknown.
Comment: NM_001369.2(DNAH5):c.5118C>G(Y1706*) is expected to be pathogenic in the context of primary ciliary dyskinesia, DNAH5-related. This variant is predicted to lead to an abnormal or absent protein product due to the creation of a premature termination codon in DNAH5, a gene where loss-of-function variants are known to be pathogenic. Please note: this variant was assessed in the context of healthy population screening.

Literature cited by the submitters: PubMed 11788826 (cited by Labcorp Genetics (formerly Invitae), Labcorp); PubMed 16627867 (cited by Labcorp Genetics (formerly Invitae), Labcorp); PubMed 31638833 (cited by Labcorp Genetics (formerly Invitae), Labcorp).

NM_001369.3(DNAH5):c.5118C>G (p.Tyr1706Ter)

Gene: DNAH5 (dynein axonemal heavy chain 5; minus strand). Cytogenetic location: 5p15.2.
Variant type: single nucleotide variant.
Coding change: c.5118C>G on transcript NM_001369.3 (MANE Select); coding-DNA position 5118, C replaced by G.
Protein change: p.Tyr1706Ter; replaces tyrosine 1706 with a stop codon.
Molecular consequence: nonsense.
Genome position (GRCh38, 1-based): chr5:13,844,990, G>C on the plus strand (C>G on the coding strand, the complement: DNAH5 is on the minus strand). VCF-style: chr5-13844990-G-C. GRCh37 (hg19) VCF-style: chr5-13845099-G-C.
Other names: short protein forms Y1706*.
Identifiers: ClinVar variation 454780 (VCV000454780.11), dbSNP rs1554074565, ClinGen allele CA359214532.